The following is an entry in ClinVar:

NM_005876.5(SPEG):c.491C>T (p.Thr164Ile)

Gene: SPEG (striated muscle enriched protein kinase; plus strand). Cytogenetic location: 2q35.
Variant type: single nucleotide variant.
Coding change: c.491C>T on transcript NM_005876.5 (MANE Select); coding-DNA position 491, C replaced by T.
Protein change: p.Thr164Ile; replaces threonine 164 with isoleucine.
Molecular consequence: missense variant.
Genome position (GRCh38, 1-based): chr2:219,444,837, C>T. VCF-style: chr2-219444837-C-T. GRCh37 (hg19) VCF-style: chr2-220309559-C-T.
Other names: short protein forms T164I.
Identifiers: ClinVar variation 2090981 (VCV002090981.4), dbSNP rs2545406152, ClinGen allele CA350710475.

ClinVar aggregate classification (germline): Uncertain significance (1 of 4 stars; one submission).

gnomAD v4.1: 1 of 1,584,716 alleles (0.000063%); no homozygotes.

Submission:

Labcorp Genetics (formerly Invitae), Labcorp
Classification: Uncertain significance. Last evaluated: 2025-06-20. Review status: criteria provided, single submitter. Criteria: Invitae Variant Classification Sherloc (09022015). Collection method: clinical testing. Allele origin: germline.
Comment: This sequence change replaces threonine, which is neutral and polar, with isoleucine, which is neutral and non-polar, at codon 164 of the SPEG protein (p.Thr164Ile). This variant is not present in population databases (gnomAD no frequency). This variant has not been reported in the literature in individuals affected with SPEG-related conditions. ClinVar contains an entry for this variant (Variation ID: 2090981). An algorithm developed to predict the effect of missense changes on protein structure and function (PolyPhen-2) suggests that this variant is likely to be disruptive. In summary, the available evidence is currently insufficient to determine the role of this variant in disease. Therefore, it has been classified as a Variant of Uncertain Significance.